The following is an entry in ClinVar:

ClinVar aggregate classification (germline): Uncertain significance. Review status: criteria provided, multiple submitters, no conflicts (2 of 4 stars). 3 submissions from 3 submitters: Uncertain significance (3). Last evaluated 2025-08-05.

Allele frequency attached by ClinVar (database versions not stated): ExAC 0.00001; gnomAD 0.00001; TOPMed 0.00002; ESP Exome Variant Server 0.00015.
gnomAD v4.1: 6 of 1,613,434 alleles (0.00037%); highest among the groups gnomAD compares: African/African-American, 0.0027%; no homozygotes.

Submissions (3):

Ambry Genetics
Classification: Uncertain significance. Last evaluated: 2025-08-05. Review status: criteria provided, single submitter. Criteria: Ambry Variant Classification Scheme 2023. Collection method: clinical testing. Allele origin: germline.

Labcorp Genetics (formerly Invitae), Labcorp
Classification: Uncertain significance. Last evaluated: 2025-07-24. Review status: criteria provided, single submitter. Criteria: Invitae Variant Classification Sherloc (09022015). Collection method: clinical testing. Allele origin: germline.
Comment: This sequence change replaces asparagine, which is neutral and polar, with serine, which is neutral and polar, at codon 347 of the RECQL protein (p.Asn347Ser). This variant is present in population databases (rs148384368, gnomAD 0.007%). This variant has not been reported in the literature in individuals affected with RECQL-related conditions. ClinVar contains an entry for this variant (Variation ID: 938159). Invitae Evidence Modeling of protein sequence and biophysical properties (such as structural, functional, and spatial information, amino acid conservation, physicochemical variation, residue mobility, and thermodynamic stability) indicates that this missense variant is not expected to disrupt RECQL protein function with a negative predictive value of 80%. In summary, the available evidence is currently insufficient to determine the role of this variant in disease. Therefore, it has been classified as a Variant of Uncertain Significance.

Blueprint Genetics
Classification: Uncertain significance. Last evaluated: 2023-01-16. Review status: criteria provided, single submitter. Criteria: ACMG Guidelines, 2015. Collection method: clinical testing. Allele origin: germline.

NM_002907.4(RECQL):c.1040A>G (p.Asn347Ser)

Gene: RECQL (RecQ like helicase; minus strand). Cytogenetic location: 12p12.1.
Variant type: single nucleotide variant.
Coding change: c.1040A>G on transcript NM_002907.4 (MANE Select); coding-DNA position 1040, A replaced by G.
Protein change: p.Asn347Ser; replaces asparagine 347 with serine.
Molecular consequence: missense variant.
Genome position (GRCh38, 1-based): chr12:21,475,734, T>C on the plus strand (A>G on the coding strand, the complement: RECQL is on the minus strand). VCF-style: chr12-21475734-T-C. GRCh37 (hg19) VCF-style: chr12-21628668-T-C.
Other names: c.1040A>G, p.Asn347Ser (NM_032941.3); short protein forms N347S.
Identifiers: ClinVar variation 938159 (VCV000938159.13), dbSNP rs148384368, ClinGen allele CA6478877.